The following is an entry in ClinVar:

ClinVar aggregate classification (germline): Uncertain significance (1 of 4 stars; one submission).

Allele frequency attached by ClinVar (database versions not stated): TOPMed below 0.00001; ExAC 0.00001; gnomAD exomes below 0.00001.
gnomAD v4.1: 2 of 1,610,578 alleles (0.00012%); highest among the groups gnomAD compares: Admixed American, 0.0017%; no homozygotes.

Submission:

Labcorp Genetics (formerly Invitae), Labcorp
Classification: Uncertain significance. Last evaluated: 2025-04-28. Review status: criteria provided, single submitter. Criteria: Invitae Variant Classification Sherloc (09022015). Collection method: clinical testing. Allele origin: germline.
Comment: This sequence change replaces phenylalanine, which is neutral and non-polar, with leucine, which is neutral and non-polar, at codon 117 of the HACD1 protein (p.Phe117Leu). This variant is not present in population databases (gnomAD no frequency). This variant has not been reported in the literature in individuals affected with HACD1-related conditions. ClinVar contains an entry for this variant (Variation ID: 1954690). Invitae Evidence Modeling of protein sequence and biophysical properties (such as structural, functional, and spatial information, amino acid conservation, physicochemical variation, residue mobility, and thermodynamic stability) indicates that this missense variant is not expected to disrupt HACD1 protein function with a negative predictive value of 80%. In summary, the available evidence is currently insufficient to determine the role of this variant in disease. Therefore, it has been classified as a Variant of Uncertain Significance.

NM_014241.4(HACD1):c.351T>G (p.Phe117Leu)

Gene: HACD1 (3-hydroxyacyl-CoA dehydratase 1; minus strand). Cytogenetic location: 10p12.33.
Variant type: single nucleotide variant.
Coding change: c.351T>G on transcript NM_014241.4 (MANE Select); coding-DNA position 351, T replaced by G.
Protein change: p.Phe117Leu; replaces phenylalanine 117 with leucine.
Molecular consequence: missense variant.
Genome position (GRCh38, 1-based): chr10:17,603,954, A>C on the plus strand (T>G on the coding strand, the complement: HACD1 is on the minus strand). VCF-style: chr10-17603954-A-C. GRCh37 (hg19) VCF-style: chr10-17645953-A-C.
Other names: short protein forms F117L.
Identifiers: ClinVar variation 1954690 (VCV001954690.3), dbSNP rs782549073, ClinGen allele CA5427359.